The following is an entry in ClinVar:

NM_016169.4(SUFU):c.1121A>C (p.Asn374Thr)

Gene: SUFU (SUFU negative regulator of hedgehog signaling; plus strand). Cytogenetic location: 10q24.32.
Variant type: single nucleotide variant.
Coding change: c.1121A>C on transcript NM_016169.4 (MANE Select); coding-DNA position 1121, A replaced by C.
Protein change: p.Asn374Thr; replaces asparagine 374 with threonine.
Molecular consequence: missense variant.
Genome position (GRCh38, 1-based): chr10:102,615,366, A>C. VCF-style: chr10-102615366-A-C. GRCh37 (hg19) VCF-style: chr10-104375123-A-C.
Other names: c.1121A>C, p.Asn374Thr (NM_001178133.2); c.1121A>C (NM_016169.3); short protein forms N374T.
Identifiers: ClinVar variation 1355841 (VCV001355841.9), dbSNP rs1265012285, ClinGen allele CA377914343.

ClinVar aggregate classification (germline): Uncertain significance. Review status: criteria provided, multiple submitters, no conflicts (2 of 4 stars). 2 submissions from 2 submitters: Uncertain significance (2). Last evaluated 2025-10-10.

Conditions:
Medulloblastoma (MDB). Also called: MEDULLOBLASTOMA PREDISPOSITION SYNDROME; Medulloblastoma, somatic. Identifiers: Orphanet 616, MedGen C0025149, MeSH D008527, MONDO:0007959, OMIM 155255, HP:0002885.
Gorlin syndrome. Also called: Basal cell nevus syndrome; Nevoid Basal Cell Carcinoma Syndrome. Identifiers: Orphanet 377, MedGen C0004779, MONDO:0007187.
Hereditary cancer-predisposing syndrome. Also called: Hereditary Cancer Syndrome; Hereditary neoplastic syndrome; Tumor predisposition; Neoplastic Syndromes, Hereditary. Identifiers: Orphanet 140162, MedGen C0027672, MeSH D009386, MONDO:0015356.

Submissions (2):

Ambry Genetics
Classification: Uncertain significance for Hereditary cancer-predisposing syndrome. Last evaluated: 2025-10-10. Review status: criteria provided, single submitter. Criteria: Ambry Variant Classification Scheme 2023. Collection method: clinical testing. Allele origin: germline.
Comment: The p.N374T variant (also known as c.1121A>C), located in coding exon 9 of the SUFU gene, results from an A to C substitution at nucleotide position 1121. The asparagine at codon 374 is replaced by threonine, an amino acid with similar properties. This amino acid position is conserved. In addition, this alteration is predicted to be tolerated by in silico analysis. Based on the available evidence, the clinical significance of this variant remains unclear.

Labcorp Genetics (formerly Invitae), Labcorp
Classification: Uncertain significance for Gorlin syndrome; Medulloblastoma. Last evaluated: 2021-03-31. Review status: criteria provided, single submitter. Criteria: Invitae Variant Classification Sherloc (09022015). Collection method: clinical testing. Allele origin: germline.
Comment: In summary, the available evidence is currently insufficient to determine the role of this variant in disease. Therefore, it has been classified as a Variant of Uncertain Significance. Algorithms developed to predict the effect of missense changes on protein structure and function are either unavailable or do not agree on the potential impact of this missense change (SIFT: "Tolerated"; PolyPhen-2: "Probably Damaging"; Align-GVGD: "Class C0"). This variant has not been reported in the literature in individuals with SUFU-related conditions. This variant is not present in population databases (ExAC no frequency). This sequence change replaces asparagine with threonine at codon 374 of the SUFU protein (p.Asn374Thr). The asparagine residue is highly conserved and there is a small physicochemical difference between asparagine and threonine.